The following is an entry in ClinVar:

NM_001110556.2(FLNA):c.3275C>G (p.Thr1092Ser)

Gene: FLNA (filamin A; minus strand). Cytogenetic location: Xq28.
Variant type: single nucleotide variant.
Coding change: c.3275C>G on transcript NM_001110556.2 (MANE Select); coding-DNA position 3275, C replaced by G.
Protein change: p.Thr1092Ser; replaces threonine 1092 with serine.
Molecular consequence: missense variant.
Genome position (GRCh38, 1-based): chrX:154,360,520, G>C on the plus strand (C>G on the coding strand, the complement: FLNA is on the minus strand). VCF-style: chrX-154360520-G-C. GRCh37 (hg19) VCF-style: chrX-153588888-G-C.
Other names: c.3275C>G, p.Thr1092Ser (NM_001456.4); short protein forms T1092S.
Identifiers: ClinVar variation 2947550 (VCV002947550.3), dbSNP rs781797118, ClinGen allele CA415229017.

ClinVar aggregate classification (germline): Uncertain significance (1 of 4 stars; one submission).

Conditions:
Oto-palato-digital syndrome, type II (OPD2). Also called: FACIOPALATOOSSEOUS SYNDROME; OPD II SYNDROME; Otopalatodigital Syndrome, Type II; Otopalatodigital Syndrome Type 2 (FLNA-OPD2). Identifiers: Orphanet 669, Orphanet 90652, MedGen C1844696, MONDO:0010571, OMIM 304120.
Heterotopia, periventricular, X-linked dominant (PVNH1). Also called: PERIVENTRICULAR NODULAR HETEROTOPIA 1; X-linked periventricular heterotopia; PERIVENTRICULAR NODULAR HETEROTOPIA 4; HETEROTOPIA, PERIVENTRICULAR, 1. Identifiers: Orphanet 2149, Orphanet 82004, MedGen C1848213, MONDO:0010233, OMIM 300049.
Frontometaphyseal dysplasia (FMD1). Identifiers: Orphanet 1826, MedGen C0265293, MONDO:0015942.
Melnick-Needles syndrome (MNS). Also called: MELNICK-NEEDLES OSTEODYSPLASTY; OSTEODYSPLASTY OF MELNICK AND NEEDLES; Melnick-Needles Syndrome (FLNA-MNS). Identifiers: Orphanet 2484, MedGen C0025237, MONDO:0010650, OMIM 309350.

Allele frequency attached by ClinVar (database versions not stated): gnomAD exomes 0.00001.
gnomAD v4.1: 7 of 1,210,920 alleles (0.00058%); highest among the groups gnomAD compares: Non-Finnish European, 0.00078%; no homozygotes.

Submission:

Labcorp Genetics (formerly Invitae), Labcorp
Classification: Uncertain significance for Oto-palato-digital syndrome, type II; Heterotopia, periventricular, X-linked dominant; Frontometaphyseal dysplasia; Melnick-Needles syndrome. Last evaluated: 2023-05-08. Review status: criteria provided, single submitter. Criteria: Invitae Variant Classification Sherloc (09022015). Collection method: clinical testing. Allele origin: germline.
Comment: Advanced modeling of protein sequence and biophysical properties (such as structural, functional, and spatial information, amino acid conservation, physicochemical variation, residue mobility, and thermodynamic stability) performed at Invitae indicates that this missense variant is not expected to disrupt FLNA protein function. In summary, the available evidence is currently insufficient to determine the role of this variant in disease. Therefore, it has been classified as a Variant of Uncertain Significance. This variant has not been reported in the literature in individuals affected with FLNA-related conditions. This variant is not present in population databases (gnomAD no frequency). This sequence change replaces threonine, which is neutral and polar, with serine, which is neutral and polar, at codon 1092 of the FLNA protein (p.Thr1092Ser).